The following is an entry in ClinVar:

NM_000452.3(SLC10A2):c.454T>C (p.Trp152Arg)

Gene: SLC10A2 (solute carrier family 10 member 2; minus strand). Cytogenetic location: 13q33.1.
Variant type: single nucleotide variant.
Coding change: c.454T>C on transcript NM_000452.3 (MANE Select); coding-DNA position 454, T replaced by C.
Protein change: p.Trp152Arg; replaces tryptophan 152 with arginine.
Molecular consequence: missense variant.
Genome position (GRCh38, 1-based): chr13:103,058,306, A>G on the plus strand (T>C on the coding strand, the complement: SLC10A2 is on the minus strand). VCF-style: chr13-103058306-A-G. GRCh37 (hg19) VCF-style: chr13-103710656-A-G.
Other names: short protein forms W152R.
Identifiers: ClinVar variation 4782032 (VCV004782032.1).

ClinVar aggregate classification (germline): Uncertain significance (1 of 4 stars; one submission).

gnomAD v4.1: 13 of 1,613,506 alleles (0.00081%); highest among the groups gnomAD compares: Non-Finnish European, 0.00068%; no homozygotes.

Submission:

Labcorp Genetics (formerly Invitae), Labcorp
Classification: Uncertain significance. Last evaluated: 2025-12-21. Review status: criteria provided, single submitter. Criteria: Invitae Variant Classification Sherloc (09022015). Collection method: clinical testing. Allele origin: germline.
Comment: This sequence change replaces tryptophan, which is neutral and slightly polar, with arginine, which is basic and polar, at codon 152 of the SLC10A2 protein (p.Trp152Arg). This variant is present in population databases (rs771327385, gnomAD 0.009%). This variant has not been reported in the literature in individuals affected with SLC10A2-related conditions. Invitae Evidence Modeling of protein sequence and biophysical properties (such as structural, functional, and spatial information, amino acid conservation, physicochemical variation, residue mobility, and thermodynamic stability) indicates that this missense variant is expected to disrupt SLC10A2 protein function with a positive predictive value of 80%. In summary, the available evidence is currently insufficient to determine the role of this variant in disease. Therefore, it has been classified as a Variant of Uncertain Significance.